The following is an entry in ClinVar:

ClinVar aggregate classification (germline): Uncertain significance (1 of 4 stars; one submission).

Submission:

Labcorp Genetics (formerly Invitae), Labcorp
Classification: Uncertain significance. Last evaluated: 2025-07-08. Review status: criteria provided, single submitter. Criteria: Invitae Variant Classification Sherloc (09022015). Collection method: clinical testing. Allele origin: germline.
Comment: This sequence change replaces glycine, which is neutral and non-polar, with valine, which is neutral and non-polar, at codon 2659 of the ITPR1 protein (p.Gly2659Val). This variant is not present in population databases (gnomAD no frequency). This variant has not been reported in the literature in individuals affected with ITPR1-related conditions. Invitae Evidence Modeling of protein sequence and biophysical properties (such as structural, functional, and spatial information, amino acid conservation, physicochemical variation, residue mobility, and thermodynamic stability) indicates that this missense variant is not expected to disrupt ITPR1 protein function with a negative predictive value of 95%. In summary, the available evidence is currently insufficient to determine the role of this variant in disease. Therefore, it has been classified as a Variant of Uncertain Significance.

NM_001378452.1(ITPR1):c.8165G>T (p.Gly2722Val)

Gene: ITPR1 (inositol 1,4,5-trisphosphate receptor type 1; plus strand). Cytogenetic location: 3p26.1.
Variant type: single nucleotide variant.
Coding change: c.8165G>T on transcript NM_001378452.1 (MANE Select); coding-DNA position 8165, G replaced by T.
Protein change: p.Gly2722Val; replaces glycine 2722 with valine.
Molecular consequence: missense variant.
Genome position (GRCh38, 1-based): chr3:4,836,910, G>T. VCF-style: chr3-4836910-G-T. GRCh37 (hg19) VCF-style: chr3-4878594-G-T.
Other names: c.8021G>T, p.Gly2674Val (NM_001099952.4); c.8120G>T, p.Gly2707Val (NM_001168272.2); c.7976G>T, p.Gly2659Val (NM_002222.7); short protein forms G2659V, G2674V, G2722V, G2707V.
Identifiers: ClinVar variation 4745932 (VCV004745932.1).
Genomic context (GRCh38, chr3:4,836,910, plus strand): 5'-AGCTGAGAAACCTGCAGGAGAAGCTGGAGTCCACCATGAAACTTGTCACGAACCTTTCTG[G>T]CCAGCTGTCGGAATTAAAGGATCAGGTAAAGAAAGAAAATCCCAGCGCCTACCCTCCCAT-3'
Protein context (NP_001365381.1, residues 2712-2732): STMKLVTNLS[Gly2722Val]QLSELKDQMT